The following is an entry in ClinVar:

ClinVar aggregate classification (germline): Uncertain significance (1 of 4 stars; one submission).

Conditions:
DNA ligase IV deficiency. Identifiers: Orphanet 99812, MedGen C1847827, MONDO:0011686, OMIM 606593.

Submission:

Labcorp Genetics (formerly Invitae), Labcorp
Classification: Uncertain significance for DNA ligase IV deficiency. Last evaluated: 2022-10-13. Review status: criteria provided, single submitter. Criteria: Invitae Variant Classification Sherloc (09022015). Collection method: clinical testing. Allele origin: germline.
Comment: This sequence change replaces aspartic acid, which is acidic and polar, with valine, which is neutral and non-polar, at codon 230 of the LIG4 protein (p.Asp230Val). This variant is not present in population databases (gnomAD no frequency). This variant has not been reported in the literature in individuals affected with LIG4-related conditions. ClinVar contains an entry for this variant (Variation ID: 844865). Algorithms developed to predict the effect of missense changes on protein structure and function (SIFT, PolyPhen-2, Align-GVGD) all suggest that this variant is likely to be tolerated. In summary, the available evidence is currently insufficient to determine the role of this variant in disease. Therefore, it has been classified as a Variant of Uncertain Significance.

NM_206937.2(LIG4):c.689A>T (p.Asp230Val)

Gene: LIG4 (DNA ligase 4; minus strand). Cytogenetic location: 13q33.3.
Variant type: single nucleotide variant.
Coding change: c.689A>T on transcript NM_206937.2 (MANE Select); coding-DNA position 689, A replaced by T.
Protein change: p.Asp230Val; replaces aspartic acid 230 with valine.
Molecular consequence: missense variant.
Genome position (GRCh38, 1-based): chr13:108,210,580, T>A on the plus strand (A>T on the coding strand, the complement: LIG4 is on the minus strand). VCF-style: chr13-108210580-T-A. GRCh37 (hg19) VCF-style: chr13-108862928-T-A.
Other names: c.689A>T, p.Asp230Val (NM_001098268.2, NM_001352598.2, NM_001352599.2 and 6 more transcripts); c.488A>T, p.Asp163Val (NM_001330595.2); c.725A>T, p.Asp242Val (NM_001352604.2); short protein forms D230V, D242V, D163V.
Identifiers: ClinVar variation 844865 (VCV000844865.11), dbSNP rs1388798970, ClinGen allele CA388620932.
Genomic context (GRCh38, chr13:108,210,580, plus strand): 5'-AGCATTGGTTTAAATGCAGAAAATAAAGTGATAGAAATATCACTGAGTCCTACAGAAGGA[T>A]CATGCAGTTGCCTACAGACTTTTTCCAGATCTGTAGTGACATTATGCAACTCAGCAGCAT-3'
Protein context (NP_996820.1, residues 220-240): DLEKVCRQLH[Asp230Val]PSVGLSDISI